The following is an entry in ClinVar:

NM_006445.4(PRPF8):c.5660C>T (p.Ser1887Leu)

Gene: PRPF8 (pre-mRNA processing factor 8; minus strand). Cytogenetic location: 17p13.3.
Variant type: single nucleotide variant.
Coding change: c.5660C>T on transcript NM_006445.4 (MANE Select); coding-DNA position 5660, C replaced by T.
Protein change: p.Ser1887Leu; replaces serine 1887 with leucine.
Molecular consequence: missense variant.
Genome position (GRCh38, 1-based): chr17:1,656,525, G>A on the plus strand (C>T on the coding strand, the complement: PRPF8 is on the minus strand). VCF-style: chr17-1656525-G-A. GRCh37 (hg19) VCF-style: chr17-1559819-G-A.
Other names: short protein forms S1887L.
Identifiers: ClinVar variation 2124359 (VCV002124359.4), dbSNP rs1483047572, ClinGen allele CA397570443.

ClinVar aggregate classification (germline): Uncertain significance (1 of 4 stars; one submission).

Allele frequency attached by ClinVar (database versions not stated): gnomAD exomes below 0.00001.
gnomAD v4.1: 5 of 1,614,082 alleles (0.00031%); highest among the groups gnomAD compares: South Asian, 0.0011%; no homozygotes.

Submission:

Labcorp Genetics (formerly Invitae), Labcorp
Classification: Uncertain significance. Last evaluated: 2022-04-23. Review status: criteria provided, single submitter. Criteria: Invitae Variant Classification Sherloc (09022015). Collection method: clinical testing. Allele origin: germline.
Comment: In summary, the available evidence is currently insufficient to determine the role of this variant in disease. Therefore, it has been classified as a Variant of Uncertain Significance. Algorithms developed to predict the effect of missense changes on protein structure and function are either unavailable or do not agree on the potential impact of this missense change (SIFT: "Deleterious"; PolyPhen-2: "Probably Damaging"; Align-GVGD: "Class C0"). This variant has not been reported in the literature in individuals affected with PRPF8-related conditions. This variant is present in population databases (no rsID available, gnomAD 0.003%). This sequence change replaces serine, which is neutral and polar, with leucine, which is neutral and non-polar, at codon 1887 of the PRPF8 protein (p.Ser1887Leu).